The following is an entry in ClinVar:

NM_006206.6(PDGFRA):c.162A>G (p.Glu54=)

Gene: PDGFRA (platelet derived growth factor receptor alpha; plus strand). Cytogenetic location: 4q12.
Variant type: single nucleotide variant.
Coding change: c.162A>G on transcript NM_006206.6 (MANE Select); coding-DNA position 162, A replaced by G.
Protein change: p.Glu54=; no amino-acid change (glutamic acid 54 retained).
Molecular consequence: synonymous variant.
Genome position (GRCh38, 1-based): chr4:54,261,207, A>G. VCF-style: chr4-54261207-A-G. GRCh37 (hg19) VCF-style: chr4-55127374-A-G.
Other names: c.162A>G, p.Glu54= (NM_001347827.2, NM_001347829.2); c.237A>G, p.Glu79= (NM_001347828.2); c.201A>G, p.Glu67= (NM_001347830.2).
Identifiers: ClinVar variation 240311 (VCV000240311.13), dbSNP rs878854822, ClinGen allele CA10582227.
Genomic context (GRCh38, chr4:54,261,207, plus strand): 5'-AAATGAAAAGGTTGTGCAGCTGAATTCATCCTTTTCTCTGAGATGCTTTGGGGAGAGTGA[A>G]GTGAGCTGGCAGTACCCCATGTCTGAAGAAGAGAGCTCCGATGTGGAAATCAGAAATGAA-3'
Protein context (NP_006197.1, residues 44-64): SFSLRCFGES[Glu54=]VSWQYPMSEE

ClinVar aggregate classification (germline): Benign/Likely benign. Review status: criteria provided, multiple submitters, no conflicts (2 of 4 stars). 3 submissions from 3 submitters: Benign (1); Likely benign (2). Last evaluated 2026-06-16.

Conditions:
Hereditary cancer-predisposing syndrome. Also called: Neoplastic Syndromes, Hereditary; Hereditary neoplastic syndrome; Hereditary Cancer Syndrome; Tumor predisposition. Identifiers: Orphanet 140162, MedGen C0027672, MeSH D009386, MONDO:0015356.
Polyps, multiple and recurrent inflammatory fibroid, gastrointestinal. Identifiers: MedGen C5193005, MONDO:0008285, OMIM 175510.
Gastrointestinal stromal tumor. Also called: Gastrointestinal stromal tumor, somatic; Gastrointestinal stroma tumor. Identifiers: Orphanet 44890, MedGen C0238198, MeSH D046152, MONDO:0011719, OMIM 606764, HP:0100723.

Allele frequency attached by ClinVar (database versions not stated): gnomAD 0.00001; gnomAD exomes 0.00001.
gnomAD v4.1: 6 of 1,614,034 alleles (0.00037%); highest among the groups gnomAD compares: Non-Finnish European, 0.00042%; no homozygotes.

Submissions (3):

Myriad Genetics, Inc.
Classification: Benign for Polyps, multiple and recurrent inflammatory fibroid, gastrointestinal. Last evaluated: 2026-06-16. Review status: criteria provided, single submitter. Criteria: Myriad Autosomal Dominant, Autosomal Recessive and X-Linked Classification Criteria (2023). Collection method: clinical testing. Allele origin: unknown.
Comment: This variant is considered benign. This variant is a silent/synonymous amino acid change and it is not expected to impact splicing.

Labcorp Genetics (formerly Invitae), Labcorp
Classification: Likely benign for Gastrointestinal stromal tumor. Last evaluated: 2025-06-23. Review status: criteria provided, single submitter. Criteria: Invitae Variant Classification Sherloc (09022015). Collection method: clinical testing. Allele origin: germline.

Ambry Genetics
Classification: Likely benign for Hereditary cancer-predisposing syndrome. Last evaluated: 2022-08-23. Review status: criteria provided, single submitter. Criteria: Ambry Variant Classification Scheme 2023. Collection method: clinical testing. Allele origin: germline.